The following is an entry in ClinVar:

ClinVar aggregate classification (germline): Uncertain significance. Review status: criteria provided, multiple submitters, no conflicts (2 of 4 stars). 3 submissions from 3 submitters: Uncertain significance (3). Last evaluated 2025-03-11.

Conditions:
Epilepsy, childhood absence, susceptibility to, 1. Also called: Epilepsy, childhood absence 1. Identifiers: Orphanet 64280, MedGen C1838604, MONDO:0020759, OMIM 600131.
Epilepsy, childhood absence, susceptibility to, 5. Identifiers: Orphanet 64280, MedGen C2677087, MONDO:0012843, OMIM 612269.
Inborn genetic diseases. Identifiers: MedGen C0950123, MeSH D030342.

Allele frequency attached by ClinVar (database versions not stated): TOPMed 0.00001; gnomAD 0.00001.
gnomAD v4.1: 1 of 1,613,770 alleles (0.000062%); highest among the groups gnomAD compares: Admixed American, 0.0017%; no homozygotes.

Submissions (3):

Dasa
Classification: Uncertain significance. Last evaluated: 2025-03-11. Review status: criteria provided, single submitter. Criteria: DASA Assertion Criteria. Collection method: clinical testing. Allele origin: germline.
Comment: NM_000814.6(GABRB3):c.434C>G (p.Pro145Arg) is a missense variant that results in the substitution of proline with arginine. This variant is rare in population databases. Computational prediction algorithms are consistent with a deleterious effect. The currently available literature and clinical evidence are not sufficient to establish a definitive association between this variant and the reported condition. Therefore, this variant is classified as a variant of uncertain significance.

Labcorp Genetics (formerly Invitae), Labcorp
Classification: Uncertain significance for Epilepsy, childhood absence, susceptibility to, 5; Epilepsy, childhood absence, susceptibility to, 1. Last evaluated: 2024-03-07. Review status: criteria provided, single submitter. Criteria: Invitae Variant Classification Sherloc (09022015). Collection method: clinical testing. Allele origin: germline.
Comment: This sequence change replaces proline, which is neutral and non-polar, with arginine, which is basic and polar, at codon 145 of the GABRB3 protein (p.Pro145Arg). This variant is not present in population databases (gnomAD no frequency). This variant has not been reported in the literature in individuals affected with GABRB3-related conditions. ClinVar contains an entry for this variant (Variation ID: 1019106). Advanced modeling of protein sequence and biophysical properties (such as structural, functional, and spatial information, amino acid conservation, physicochemical variation, residue mobility, and thermodynamic stability) performed at Invitae indicates that this missense variant is expected to disrupt GABRB3 protein function with a positive predictive value of 95%. In summary, the available evidence is currently insufficient to determine the role of this variant in disease. Therefore, it has been classified as a Variant of Uncertain Significance.

Ambry Genetics
Classification: Uncertain significance for Inborn genetic diseases. Last evaluated: 2021-11-23. Review status: criteria provided, single submitter. Criteria: Ambry Variant Classification Scheme 2023. Collection method: clinical testing. Allele origin: germline.
Comment: The c.434C>G (p.P145R) alteration is located in exon 4 (coding exon 4) of the GABRB3 gene. This alteration results from a C to G substitution at nucleotide position 434, causing the proline (P) at amino acid position 145 to be replaced by an arginine (R). This variant was not reported in population-based cohorts in the Genome Aggregation Database (gnomAD). This amino acid position is highly conserved in available vertebrate species. The in silico prediction for this alteration is inconclusive. Based on insufficient or conflicting evidence, the clinical significance of this alteration remains unclear.

NM_000814.6(GABRB3):c.434C>G (p.Pro145Arg)

Gene: GABRB3 (gamma-aminobutyric acid type A receptor subunit beta3; minus strand). Cytogenetic location: 15q12.
Variant type: single nucleotide variant.
Coding change: c.434C>G on transcript NM_000814.6 (MANE Select); coding-DNA position 434, C replaced by G.
Protein change: p.Pro145Arg; replaces proline 145 with arginine.
Molecular consequence: missense variant. On other transcripts: non-coding transcript variant (1).
Genome position (GRCh38, 1-based): chr15:26,621,341, G>C on the plus strand (C>G on the coding strand, the complement: GABRB3 is on the minus strand). VCF-style: chr15-26621341-G-C. GRCh37 (hg19) VCF-style: chr15-26866488-G-C.
Other names: c.179C>G, p.Pro60Arg (NM_001191320.2, NM_001278631.2); c.221C>G, p.Pro74Arg (NM_001191321.3); c.434C>G, p.Pro145Arg (NM_021912.5); c.434C>G (NM_000814.5); short protein forms P145R, P60R, P74R.
Identifiers: ClinVar variation 1019106 (VCV001019106.9), dbSNP rs1325124119, ClinGen allele CA391460679.